The following is an entry in ClinVar:

NM_000518.4(HBB):c.247A>G (p.Lys83Glu)

Genes: HBB (hemoglobin subunit beta; minus strand), LOC106099062 (HBB recombination region; plus strand), LOC107133510 (origin of replication at HBB; plus strand). Cytogenetic location: 11p15.4.
Variant type: single nucleotide variant.
Coding change: c.247A>G on transcript NM_000518.4; coding-DNA position 247, A replaced by G.
Protein change: p.Lys83Glu; replaces lysine 83 with glutamic acid.
Molecular consequence: missense variant (on NM_000518.5).
Genome position (GRCh38, 1-based): chr11:5,226,645, T>C on the plus strand (A>G on the coding strand, the complement: HBB is on the minus strand). VCF-style: chr11-5226645-T-C. GRCh37 (hg19) VCF-style: chr11-5247875-T-C.
Other names: K82E; c.247A>G, p.Lys83Glu (NM_000518.5); short protein forms K83E.
Identifiers: ClinVar variation 15561 (VCV000015561.2), dbSNP rs33940051, ClinGen allele CA125449.

ClinVar aggregate classification (germline): Uncertain significance. Review status: criteria provided, single submitter (1 of 4 stars). 2 submissions from 2 submitters: Uncertain significance (1). 1 of the submissions does not count toward it. Last evaluated 2025-08-21.

Conditions:
Hb gambara.

Submissions (2):

Quest Diagnostics Nichols Institute San Juan Capistrano
Classification: Uncertain significance. Last evaluated: 2025-08-21. Review status: criteria provided, single submitter. Criteria: Quest Diagnostics criteria. Collection method: clinical testing. Allele origin: unknown.
Comment: The HBB c.247A>G (p.Lys83Glu) variant (also known as Hb Gambara) has been reported in individuals with modest erythrocytosis, with mild/compensated hemolysis and slight splenomegaly (PMID: 9255613 (1997)). Hb Gambara has been shown to be stable in isopropanol test, but had increased oxygen affinity, reduced Bohr effect and 2,3-DPG binding indicative of a molecular defect in oxygen offloading property (PMID: 9255613 (1997)). This variant has not been reported in large, multi-ethnic general populations (Genome Aggregation Database). Analysis of this variant using bioinformatics tools for the prediction of the effect of amino acid changes on protein structure and function yielded predictions that this variant is damaging. Based on the available information, we are unable to determine the clinical significance of this variant.

OMIM
Classification: Pathogenic for HB GAMBARA. Last evaluated: 1997-07-01. Review status: no assertion criteria provided. Collection method: literature only. Allele origin: germline. Not counted in ClinVar's aggregate classification.

Literature cited by the submitters: PubMed 9255613 (cited by Quest Diagnostics Nichols Institute San Juan Capistrano and OMIM).